The following is an entry in ClinVar:

NM_138691.3(TMC1):c.1763+1G>T

Gene: TMC1 (transmembrane channel like 1; plus strand). Cytogenetic location: 9q21.13.
Variant type: single nucleotide variant.
Coding change: c.1763+1G>T on transcript NM_138691.3 (MANE Select); the canonical splice donor site of the intron after coding-DNA position 1763, G replaced by T.
Molecular consequence: splice donor variant.
Genome position (GRCh38, 1-based): chr9:72,816,211, G>T. VCF-style: chr9-72816211-G-T. GRCh37 (hg19) VCF-style: chr9-75431127-G-T.
Other names: NM_138691.2:c.1763+1G>T.
Identifiers: ClinVar variation 1334112 (VCV001334112.2), dbSNP rs2118284330, ClinGen allele CA373668503.

ClinVar aggregate classification (germline): Likely pathogenic (1 of 4 stars; one submission).

Conditions:
Autosomal recessive nonsyndromic hearing loss 7. Also called: DEAFNESS, AUTOSOMAL RECESSIVE 11. Identifiers: Orphanet 90636, MedGen C1832978, MONDO:0010967, OMIM 600974.

Submission:

King Laboratory, University of Washington
Classification: Likely pathogenic for Autosomal recessive nonsyndromic hearing loss 7. Last evaluated: 2020-08-01. Review status: criteria provided, single submitter. Criteria: Abu Rayyan A et al. (Proc Natl Acad Sci U S A 2020). Collection method: research. Allele origin: germline. Affected: yes.
Comment: TMC1 c.1763+1G>T is predicted to disrupt exon 19 splice donor with loss of 68bp in message and stop at codon 600. It is homozygous in 2 Palestinian children with severe to profound pre-lingual hearing loss. It is absent from 1300 Palestinian controls and from gnomAD v2.1.1.